The following is an entry in ClinVar:

ClinVar aggregate classification (germline): other (0 of 4 stars; one submission).

Conditions:
Familial colorectal cancer. Identifiers: MedGen CN280943, MONDO:0023113. Disease mechanism: loss of function.

Submission:

Systems Biology Platform Zhejiang California International NanoSystems Institute
Classification: other for Familial colorectal cancer. Review status: no assertion criteria provided. Collection method: not provided. Allele origin: unknown.
ClinVar note: Converted during submission from cancer to other.

NM_001127511.3(APC):c.165+27849C>A

Gene: APC (APC regulator of Wnt signaling pathway; plus strand). Cytogenetic location: 5q22.2.
Variant type: single nucleotide variant.
Coding change: c.165+27849C>A on transcript NM_001127511.3; 27849 bases into the intron after coding-DNA position 165, C replaced by A.
Molecular consequence: intron variant.
Genome position (GRCh38, 1-based): chr5:112,735,731, C>A. VCF-style: chr5-112735731-C-A. GRCh37 (hg19) VCF-style: chr5-112071428-C-A.
Other names: c.-18-19142C>A (NM_001407452.1, NM_001407469.1, NM_001407448.1 and 7 more transcripts); c.165+27849C>A (NM_001407446.1, NM_001354897.2, NM_001354902.2); c.-43+28082C>A (NM_001407453.1); c.-1053-19142C>A (NM_001407470.1, NM_001407472.1).
Identifiers: ClinVar variation 82726 (VCV000082726.4), dbSNP rs74739374, ClinGen allele CA023616.
Genomic context (GRCh38, chr5:112,735,731, plus strand): 5'-ATTATAGTTTTAAAATAGCTAAGCAGTTTTAAAAATTCAAATTAAACTTTTGTGGAATCT[C>A]TAAAAATAAGAAAAATATTACTGAGTAATTGGCAACATAAAATACAAAATGTTTAACTTG-3'